The following is an entry in ClinVar:

NM_007373.4(SHOC2):c.769A>T (p.Ile257Phe)

Gene: SHOC2 (SHOC2 leucine rich repeat scaffold protein; plus strand). Cytogenetic location: 10q25.2.
Variant type: single nucleotide variant.
Coding change: c.769A>T on transcript NM_007373.4 (MANE Select); coding-DNA position 769, A replaced by T.
Protein change: p.Ile257Phe; replaces isoleucine 257 with phenylalanine.
Molecular consequence: missense variant. On other transcripts: non-coding transcript variant (1), intron variant (1).
Genome position (GRCh38, 1-based): chr10:110,985,693, A>T. VCF-style: chr10-110985693-A-T. GRCh37 (hg19) VCF-style: chr10-112745451-A-T.
Other names: c.769A>T, p.Ile257Phe (NM_001324336.2, NM_001324337.2); c.704-14722A>T (NM_001269039.3); short protein forms I257F.
Identifiers: ClinVar variation 1718375 (VCV001718375.5), dbSNP rs1476197124, ClinGen allele CA378391443.

ClinVar aggregate classification (germline): Uncertain significance (1 of 4 stars; one submission).

Conditions:
RASopathy. Also called: rasopathies; Noonan spectrum disorder. Identifiers: Orphanet 536391, MedGen C5555857, MONDO:0021060.

Submission:

Labcorp Genetics (formerly Invitae), Labcorp
Classification: Uncertain significance for RASopathy. Last evaluated: 2022-08-30. Review status: criteria provided, single submitter. Criteria: Invitae Variant Classification Sherloc (09022015). Collection method: clinical testing. Allele origin: germline.
Comment: In summary, the available evidence is currently insufficient to determine the role of this variant in disease. Therefore, it has been classified as a Variant of Uncertain Significance. Algorithms developed to predict the effect of missense changes on protein structure and function are either unavailable or do not agree on the potential impact of this missense change (SIFT: "Deleterious"; PolyPhen-2: "Probably Damaging"; Align-GVGD: "Class C0"). This variant has not been reported in the literature in individuals affected with SHOC2-related conditions. This variant is not present in population databases (gnomAD no frequency). This sequence change replaces isoleucine, which is neutral and non-polar, with phenylalanine, which is neutral and non-polar, at codon 257 of the SHOC2 protein (p.Ile257Phe).